The following is an entry in ClinVar:

ClinVar aggregate classification (germline): Uncertain significance. Review status: criteria provided, multiple submitters, no conflicts (2 of 4 stars). 2 submissions from 2 submitters: Uncertain significance (2). Last evaluated 2024-11-11.

Conditions:
Combined oxidative phosphorylation defect type 27. Also called: Combined oxidative phosphorylation deficiency 27. Identifiers: Orphanet 477774, MedGen C5567608, MONDO:0014728, OMIM 616672.

Allele frequency attached by ClinVar (database versions not stated): TOPMed below 0.00001; gnomAD exomes 0.00001 and 0.00006; ExAC 0.00005.
gnomAD v4.1: 14 of 1,606,230 alleles (0.00087%); highest among the groups gnomAD compares: Admixed American, 0.022%; no homozygotes.

Submissions (2):

Labcorp Genetics (formerly Invitae), Labcorp
Classification: Uncertain significance for Combined oxidative phosphorylation defect type 27. Last evaluated: 2024-11-11. Review status: criteria provided, single submitter. Criteria: Invitae Variant Classification Sherloc (09022015). Collection method: clinical testing. Allele origin: germline.
Comment: This sequence change replaces leucine, which is neutral and non-polar, with proline, which is neutral and non-polar, at codon 502 of the CARS2 protein (p.Leu502Pro). This variant is present in population databases (rs763717023, gnomAD 0.04%). This variant has not been reported in the literature in individuals affected with CARS2-related conditions. ClinVar contains an entry for this variant (Variation ID: 569707). An algorithm developed to predict the effect of missense changes on protein structure and function (PolyPhen-2) suggests that this variant is likely to be disruptive. In summary, the available evidence is currently insufficient to determine the role of this variant in disease. Therefore, it has been classified as a Variant of Uncertain Significance.

Center for Genomics, Ann and Robert H. Lurie Children's Hospital of Chicago
Classification: Uncertain significance for Combined oxidative phosphorylation defect type 27. Last evaluated: 2022-07-12. Review status: criteria provided, single submitter. Criteria: ACMG Guidelines, 2015. Collection method: clinical testing. Allele origin: germline.
Comment: This variant has not been reported in the literature but is present in the Genome Aggregation Database (Highest reported MAF 0.03% (13/33610). This variant is present in ClinVar (Variation ID:569707). Evolutionary conservation and computational predictive tools suggest that this variant may impact the protein. In summary, data on this variant is insufficient for disease classification. Therefore, the clinical significance of this variant is uncertain.

NM_024537.4(CARS2):c.1505T>C (p.Leu502Pro)

Gene: CARS2 (cysteinyl-tRNA synthetase 2, mitochondrial; minus strand). Cytogenetic location: 13q34.
Variant type: single nucleotide variant.
Coding change: c.1505T>C on transcript NM_024537.4 (MANE Select); coding-DNA position 1505, T replaced by C.
Protein change: p.Leu502Pro; replaces leucine 502 with proline.
Molecular consequence: missense variant. On other transcripts: non-coding transcript variant (2).
Genome position (GRCh38, 1-based): chr13:110,642,433, A>G on the plus strand (T>C on the coding strand, the complement: CARS2 is on the minus strand). VCF-style: chr13-110642433-A-G. GRCh37 (hg19) VCF-style: chr13-111294780-A-G.
Other names: c.719T>C, p.Leu240Pro (NM_001352252.2); short protein forms L502P, L240P.
Identifiers: ClinVar variation 569707 (VCV000569707.9), dbSNP rs763717023, ClinGen allele CA7051627.